The following is an entry in ClinVar:

ClinVar aggregate classification (germline): Likely benign. Review status: criteria provided, multiple submitters, no conflicts (2 of 4 stars). 3 submissions from 3 submitters: Likely benign (3). Last evaluated 2024-09-03.

Conditions:
Hereditary cancer-predisposing syndrome. Also called: Tumor predisposition; Neoplastic Syndromes, Hereditary; Hereditary Cancer Syndrome; Hereditary neoplastic syndrome. Identifiers: Orphanet 140162, MedGen C0027672, MeSH D009386, MONDO:0015356.
Tuberous sclerosis syndrome (TSC). Also called: Tuberous Sclerosis Complex; Tuberous sclerosis. Identifiers: Orphanet 805, MedGen C0041341, MONDO:0001734.
Tuberous sclerosis 2 (TSC2). Identifiers: Orphanet 805, MedGen C1860707, MONDO:0013199, OMIM 613254.

Allele frequency attached by ClinVar (database versions not stated): gnomAD exomes below 0.00001.
gnomAD v4.1: 2 of 1,612,958 alleles (0.00012%); highest among the groups gnomAD compares: Admixed American, 0.0017%; no homozygotes.

Submissions (3):

Labcorp Genetics (formerly Invitae), Labcorp
Classification: Likely benign for Tuberous sclerosis 2. Last evaluated: 2024-09-03. Review status: criteria provided, single submitter. Criteria: Invitae Variant Classification Sherloc (09022015). Collection method: clinical testing. Allele origin: germline.

All of Us Research Program, National Institutes of Health
Classification: Likely benign for Tuberous sclerosis syndrome. Last evaluated: 2023-10-02. Review status: criteria provided, single submitter. Criteria: ACMG Guidelines, 2015. Collection method: clinical testing. Allele origin: germline. Inheritance: Autosomal dominant inheritance. Observed: 1 variant allele, 1 heterozygote.
Comment: This study involves interpretation of variants in research participants for the purpose of population health screening. Participant phenotype was not available at the time of variant classification. Additional details can be found in publication PMID: 35346344, PMCID: PMC8962531

Ambry Genetics
Classification: Likely benign for Hereditary cancer-predisposing syndrome. Last evaluated: 2020-02-13. Review status: criteria provided, single submitter. Criteria: Ambry Variant Classification Scheme 2023. Collection method: clinical testing. Allele origin: germline.

NM_000548.5(TSC2):c.5160T>C (p.Asn1720=)

Gene: TSC2 (TSC complex subunit 2; plus strand). Cytogenetic location: 16p13.3.
Variant type: single nucleotide variant.
Coding change: c.5160T>C on transcript NM_000548.5 (MANE Select); coding-DNA position 5160, T replaced by C.
Protein change: p.Asn1720=; no amino-acid change (asparagine 1720 retained).
Molecular consequence: synonymous variant.
Genome position (GRCh38, 1-based): chr16:2,088,139, T>C. VCF-style: chr16-2088139-T-C. GRCh37 (hg19) VCF-style: chr16-2138140-T-C.
Other names: c.4959T>C, p.Asn1653= (NM_001077183.3); c.5091T>C, p.Asn1697= (NM_001114382.3); c.4851T>C, p.Asn1617= (NM_001318827.2); c.4815T>C, p.Asn1605= (NM_001318829.2); c.4428T>C, p.Asn1476= (NM_001318831.2); c.4992T>C, p.Asn1664= (NM_001318832.2); c.4962T>C, p.Asn1654= (NM_001363528.2); c.5028T>C, p.Asn1676= (NM_001370404.1); and 1 more.
Identifiers: ClinVar variation 406075 (VCV000406075.12), dbSNP rs137854883, ClinGen allele CA16614797.